The following is an entry in ClinVar:

ClinVar aggregate classification (germline): Conflicting classifications of pathogenicity. Review status: criteria provided, conflicting classifications (1 of 4 stars). 22 submissions from 22 submitters: Uncertain significance (4); Benign (8); Likely benign (9). 1 of the submissions does not count toward it. Last evaluated 2026-02-03.

Conditions:
Familial pancreatic carcinoma. Identifiers: Orphanet 1333, MedGen C2931038, MONDO:0015278, OMIM 260350.
Peutz-Jeghers syndrome (PJS). Also called: Peutz-Jeghers polyposis; Periorificial lentiginosis syndrome; POLYPOSIS, HAMARTOMATOUS INTESTINAL; POLYPS-AND-SPOTS SYNDROME. Identifiers: Orphanet 2869, MedGen C0031269, MeSH D010580, MONDO:0008280, OMIM 175200.
Melanoma, cutaneous malignant, susceptibility to, 1 (CMM1). Also called: MELANOMA, MALIGNANT; B-K MOLE SYNDROME; FAMILIAL ATYPICAL MOLE-MALIGNANT MELANOMA SYNDROME; DYSPLASTIC NEVUS SYNDROME, HEREDITARY. Identifiers: Orphanet 618, MedGen C1835047, MONDO:0007963, OMIM 155600.
Germ cell tumor of testis (TGCT). Also called: GERM CELL TUMOR, SOMATIC; Testicular germ cell tumor. Identifiers: Orphanet 363504, MedGen C1336708, MONDO:0010108, OMIM 273300.
STK11-related disorder. Also called: STK11-related condition.
Hereditary cancer-predisposing syndrome. Also called: Hereditary neoplastic syndrome; Tumor predisposition; Neoplastic Syndromes, Hereditary; Hereditary Cancer Syndrome. Identifiers: Orphanet 140162, MedGen C0027672, MeSH D009386, MONDO:0015356.
Carcinoma of pancreas. Also called: Pancreatic cancer, somatic; Pancreatic carcinoma, somatic; Exocrine pancreatic carcinoma; PANCREATIC ACINAR CARCINOMA; PANCREATIC CARCINOMA. Identifiers: Orphanet 1333, Orphanet 217074, MedGen C0235974, MONDO:0005192. Disease mechanism: loss of function.

Allele frequency attached by ClinVar (database versions not stated): gnomAD 0.00100 and 0.00092; TOPMed 0.00109; gnomAD exomes 0.00009 and 0.00017; ExAC 0.00018; ESP Exome Variant Server 0.00050; 1000 Genomes Project 0.00080; 1000 Genomes Project 30x 0.00125.
gnomAD v4.1: 273 of 1,569,254 alleles (0.017%); highest among the groups gnomAD compares: African/African-American, 0.33%; no homozygotes.

Submissions 1 to 17 of 22:

Labcorp Genetics (formerly Invitae), Labcorp
Classification: Benign for Peutz-Jeghers syndrome. Last evaluated: 2026-02-03. Review status: criteria provided, single submitter. Criteria: Invitae Variant Classification Sherloc (09022015). Collection method: clinical testing. Allele origin: germline.

Myriad Genetics, Inc.
Classification: Benign for Peutz-Jeghers syndrome. Last evaluated: 2025-03-27. Review status: criteria provided, single submitter. Criteria: Myriad Autosomal Dominant, Autosomal Recessive and X-Linked Classification Criteria (2023). Collection method: clinical testing. Allele origin: unknown.
Comment: This variant is considered benign. This variant has been observed at a population frequency that is significantly greater than expected given the associated disease prevalence and penetrance. Homozygosity has been confirmed in one or more individuals. As homozygosity for pathogenic variants in this gene is generally assumed to result in embryonic lethality, this variant is unlikely to be pathogenic.

Department of Pathology and Laboratory Medicine, Sinai Health System
Classification: Likely benign for Melanoma, cutaneous malignant, susceptibility to, 1; Peutz-Jeghers syndrome; Familial pancreatic carcinoma; Germ cell tumor of testis. Last evaluated: 2024-12-23. Review status: criteria provided, single submitter. Criteria: ACMG Guidelines, 2015. Collection method: clinical testing. Allele origin: germline. Affected: yes.

Dasa
Classification: Likely benign. Last evaluated: 2024-12-13. Review status: criteria provided, single submitter. Criteria: DASA Assertion Criteria. Collection method: clinical testing. Allele origin: germline.
Comment: NM_000455.5(STK11):c.894C>A (p.Phe298Leu) is a missense variant that results in the substitution of phenylalanine with leucine. Population frequency is inconsistent with a disease-causing role for this variant. Computational prediction algorithms are consistent with a benign effect. Therefore, based on the currently available evidence, this variant is classified as likely benign.

Color Diagnostics, LLC DBA Color Health
Classification: Likely benign for Hereditary cancer-predisposing syndrome. Last evaluated: 2024-09-19. Review status: criteria provided, single submitter. Criteria: ACMG Guidelines, 2015. Collection method: clinical testing. Allele origin: germline.

Revvity Omics, Revvity
Classification: Uncertain significance for Peutz-Jeghers syndrome. Last evaluated: 2024-09-11. Review status: criteria provided, single submitter. Criteria: ACMG Guidelines, 2015. Collection method: clinical testing. Allele origin: germline.

Institute for Biomarker Research, Medical Diagnostic Laboratories, L.L.C.
Classification: Benign for Hereditary cancer-predisposing syndrome. Last evaluated: 2024-06-04. Review status: criteria provided, single submitter. Criteria: ACMG Guidelines, 2015. Collection method: clinical testing. Allele origin: germline.

Mendelics
Classification: Benign for Peutz-Jeghers syndrome. Last evaluated: 2023-08-22. Review status: criteria provided, single submitter. Criteria: Mendelics Assertion Criteria 2019. Collection method: clinical testing. Allele origin: germline.

ARUP Laboratories, Molecular Genetics and Genomics, ARUP Laboratories
Classification: Likely benign. Last evaluated: 2022-04-18. Review status: criteria provided, single submitter. Criteria: ARUP Molecular Germline Variant Investigation Process 2021. Collection method: clinical testing. Allele origin: germline.

Quest Diagnostics Nichols Institute San Juan Capistrano
Classification: Benign. Last evaluated: 2022-03-10. Review status: criteria provided, single submitter. Criteria: Quest Diagnostics criteria. Collection method: clinical testing. Allele origin: unknown.

Blueprint Genetics
Classification: Benign. Last evaluated: 2022-02-01. Review status: criteria provided, single submitter. Criteria: ACMG Guidelines, 2015. Collection method: clinical testing. Allele origin: germline.

Genome-Nilou Lab
Classification: Likely benign for Peutz-Jeghers syndrome. Last evaluated: 2021-07-15. Review status: criteria provided, single submitter. Criteria: ACMG Guidelines, 2015. Collection method: clinical testing. Allele origin: germline. Affected: no.

Sema4
Classification: Likely benign for Hereditary cancer-predisposing syndrome. Last evaluated: 2021-05-03. Review status: criteria provided, single submitter. Criteria: Sema4 Curation Guidelines. Collection method: curation. Allele origin: germline.

Broad Center for Mendelian Genomics, Broad Institute of MIT and Harvard
Classification: Likely benign. Last evaluated: 2020-01-22. Review status: criteria provided, single submitter. Criteria: ACMG Guidelines, 2015. Collection method: curation. Allele origin: germline.
Comment: The p.Phe298Leu variant in STK11 has been reported in 2 individuals with suspected Lynch Syndrome (PMID: 25980754), in the homozygous state in a cervical cancer tumor (PMID: 19340305), and in a primary pancreatic neuroendocrine tumor, cervical cancer tumor, and metastatic pituitary adenoma (PMID: 23893923, 24652667, 27615706). This variant has also been identified in 0.2677% (49/18302) of African chromosomes in individuals without cancer, 0.01403% (4/28506) of Latino chromosomes, and 0.001096% (1/91266) of European (non-Finnish) chromosomes by the Genome Aggregation Database (gnomAD; dbSNP rs199681533). This variant has been reported in ClinVar as a VUS and likely benign variant (Variation ID: 127707). Computational prediction tools, including splice predictors, and conservation analyses suggest that this variant may not impact the protein, though this information is not predictive enough to rule out pathogenicity. In summary, although additional studies are required to fully establish its clinical significance, this variant is likely benign. ACMG/AMP Criteria applied: BS1, BP4 (Richards 2015).

Genetic Services Laboratory, University of Chicago
Classification: Uncertain significance. Last evaluated: 2019-08-26. Review status: criteria provided, single submitter. Criteria: ACMG Guidelines, 2015. Collection method: clinical testing. Allele origin: germline. Affected: no.

Illumina Laboratory Services, Illumina
Classification: Benign for Peutz-Jeghers syndrome. Last evaluated: 2019-05-06. Review status: criteria provided, single submitter. Criteria: ICSL Variant Classification Criteria 13 December 2019. Collection method: clinical testing. Allele origin: germline.
Comment: This variant was observed as part of a predisposition screen in an ostensibly healthy population. A literature search was performed for the gene, cDNA change, and amino acid change (where applicable). Publications were found based on this search. The evidence from the literature, in combination with allele frequency data from public databases where available, was sufficient to rule this variant out of causing disease. Therefore, this variant is classified as benign.

Women's Health and Genetics/Laboratory Corporation of America, LabCorp
Classification: Benign. Last evaluated: 2019-01-18. Review status: criteria provided, single submitter. Criteria: LabCorp Variant Classification Summary - May 2015. Collection method: clinical testing. Allele origin: germline.
Comment: Variant summary: STK11 c.894C>A (p.Phe298Leu) results in a non-conservative amino acid change located in the Serine/Threonine kinase LKB1, catalytic domain of the encoded protein sequence. Three of five in-silico tools predict a benign effect of the variant on protein function. The observed variant frequency is approximately 43.52 fold of the estimated maximal expected allele frequency for a pathogenic variant in STK11 causing Hereditary Breast and Ovarian Cancer phenotype (6.3e-06), strongly suggesting that the variant is benign. In addition, this variant has been reported in 21/2559 (0.0082) African American women who are cancer free and older than age 70 (Flossies). c.894C>A has been reported in the literature in individuals affected with different type of cancer (Yurgelun_2015, Young_2013, Haiman_2013, Tung_2015). These reports do not provide unequivocal conclusions about association of the variant with HBOC. Co-occurrences with other pathogenic variants have been reported (BRCA1 c.3475dupA, p.Ile1159fsX6; BRCA1 c.4327C>T, p.Arg1443X), providing supporting evidence for a benign role. Six clinical diagnostic laboratories have submitted clinical-significance assessments for this variant to ClinVar after 2014 without evidence for independent evaluation. Multiple laboratories reported the variant with conflicting assessments (2 likely benign, 4 VUS). Based on the evidence outlined above, the variant was classified as benign.

NM_000455.5(STK11):c.894C>A (p.Phe298Leu)

Gene: STK11 (serine/threonine kinase 11; plus strand). Cytogenetic location: 19p13.3.
Variant type: single nucleotide variant.
Coding change: c.894C>A on transcript NM_000455.5 (MANE Select); coding-DNA position 894, C replaced by A.
Protein change: p.Phe298Leu; replaces phenylalanine 298 with leucine.
Molecular consequence: missense variant.
Genome position (GRCh38, 1-based): chr19:1,221,980, C>A. VCF-style: chr19-1221980-C-A. GRCh37 (hg19) VCF-style: chr19-1221979-C-A.
Other names: p.F298L:TTC>TTA; short protein forms F298L.
Identifiers: ClinVar variation 127707 (VCV000127707.50), dbSNP rs199681533, ClinGen allele CA023331.